The following is an entry in ClinVar:

NM_020937.4(FANCM):c.4331G>T (p.Ser1444Ile)

Gene: FANCM (FA complementation group M; plus strand). Cytogenetic location: 14q21.2.
Variant type: single nucleotide variant.
Coding change: c.4331G>T on transcript NM_020937.4 (MANE Select); coding-DNA position 4331, G replaced by T.
Protein change: p.Ser1444Ile; replaces serine 1444 with isoleucine.
Molecular consequence: missense variant.
Genome position (GRCh38, 1-based): chr14:45,181,650, G>T. VCF-style: chr14-45181650-G-T. GRCh37 (hg19) VCF-style: chr14-45650853-G-T.
Other names: c.4253G>T, p.Ser1418Ile (NM_001308133.2); short protein forms S1418I, S1444I.
Identifiers: ClinVar variation 4254584 (VCV004254584.1).
Genomic context (GRCh38, chr14:45,181,650, plus strand): 5'-CTTCTGCTGAGACTTTTGTTGCCTTTTACTTTATTTACTTACTTTAGGATCAGAAAAATA[G>T]TGAAGTTGATTCTCCACTTCATGCTGTCAAAAAGCGCAGATTTCCTATAAACAGAGTAAG-3'
Protein context (NP_065988.1, residues 1434-1454): VLNSPEDQKN[Ser1444Ile]EVDSPLHAVK

ClinVar aggregate classification (germline): Uncertain significance (1 of 4 stars; one submission).

Conditions:
Inborn genetic diseases. Identifiers: MedGen C0950123, MeSH D030342.

Submission:

Ambry Genetics
Classification: Uncertain significance for Inborn genetic diseases. Last evaluated: 2025-07-10. Review status: criteria provided, single submitter. Criteria: Ambry Variant Classification Scheme 2023. Collection method: clinical testing. Allele origin: germline.
Comment: The p.S1444I variant (also known as c.4331G>T), located in coding exon 16 of the FANCM gene, results from a G to T substitution at nucleotide position 4331. The serine at codon 1444 is replaced by isoleucine, an amino acid with dissimilar properties. This amino acid position is conserved. In addition, this alteration is predicted to be tolerated by in silico analysis. Based on the available evidence, the clinical significance of this variant remains unclear.